The following is an entry in ClinVar:

ClinVar aggregate classification (germline): Pathogenic. Review status: criteria provided, single submitter (1 of 4 stars). 2 submissions from 2 submitters: Pathogenic (1). 1 of the submissions does not count toward it. Last evaluated 2025-05-01.

Conditions:
ANKRD11-related disorder. Also called: ANKRD11-related condition.

Submissions (2):

GeneDx
Classification: Pathogenic. Last evaluated: 2025-05-01. Review status: criteria provided, single submitter. Criteria: GeneDx Variant Classification Process June 2021. Collection method: clinical testing. Allele origin: germline. Affected: yes.
Comment: Identified in a patient with features consistent with ANKRD11-related KBG syndrome in the literature who inherited the variant from an unaffected parent with low-level mosaicism (PMID: 36564961); Nonsense variant predicted to result in protein truncation or nonsense mediated decay in a gene for which loss of function is a known mechanism of disease; Not observed in large population cohorts (gnomAD); This variant is associated with the following publications: (PMID: 37540342, 34490615, 36564961)

PreventionGenetics, part of Exact Sciences
Classification: Pathogenic for ANKRD11-related condition. Last evaluated: 2024-03-21. Review status: no assertion criteria provided. Collection method: clinical testing. Allele origin: germline. Not counted in ClinVar's aggregate classification.
Comment: The ANKRD11 c.4093C>T variant is predicted to result in premature protein termination (p.Arg1365*). This variant was reported in individuals with KBG syndrome as de novo or inherited from an asymptomatic parent with low-level mosaicism (supplementary table, van der Ven et al. 2021. PubMed ID: 34490615; patient 8, Choi et al. 2022. PubMed ID: 36564961). This variant has not been reported in a large population database, indicating this variant is rare. Nonsense variants in ANKRD11 are expected to be pathogenic. This variant is interpreted as pathogenic.

NM_013275.6(ANKRD11):c.4093C>T (p.Arg1365Ter)

Gene: ANKRD11 (ankyrin repeat domain containing 11; minus strand). Cytogenetic location: 16q24.3.
Variant type: single nucleotide variant.
Coding change: c.4093C>T on transcript NM_013275.6 (MANE Select); coding-DNA position 4093, C replaced by T.
Protein change: p.Arg1365Ter; replaces arginine 1365 with a stop codon.
Molecular consequence: nonsense.
Genome position (GRCh38, 1-based): chr16:89,282,449, G>A on the plus strand (C>T on the coding strand, the complement: ANKRD11 is on the minus strand). VCF-style: chr16-89282449-G-A. GRCh37 (hg19) VCF-style: chr16-89348857-G-A.
Other names: c.4093C>T, p.Arg1365Ter (NM_001256182.2, NM_001256183.2); short protein forms R1365*.
Identifiers: ClinVar variation 3347970 (VCV003347970.2).